The following is an entry in ClinVar:

NM_000545.8(HNF1A):c.527-98G>A

Gene: HNF1A (HNF1 homeobox A; plus strand). Cytogenetic location: 12q24.31.
Variant type: single nucleotide variant.
Coding change: c.527-98G>A on transcript NM_000545.8 (MANE Select); 98 bases into the intron before coding-DNA position 527, G replaced by A.
Molecular consequence: intron variant.
Genome position (GRCh38, 1-based): chr12:120,993,422, G>A. VCF-style: chr12-120993422-G-A. GRCh37 (hg19) VCF-style: chr12-121431225-G-A.
Other names: c.527-98G>A (NM_001306179.2).
Identifiers: ClinVar variation 676874 (VCV000676874.2), dbSNP rs1169300, ClinGen allele CA13677254.

ClinVar aggregate classification (germline): Benign. Review status: criteria provided, multiple submitters, no conflicts (2 of 4 stars). 2 submissions from 2 submitters: Benign (2). Last evaluated 2018-06-14.

Allele frequency attached by ClinVar (database versions not stated): gnomAD 0.26294 and 0.27252; TOPMed 0.26871; 1000 Genomes Project 30x 0.30965; 1000 Genomes Project 0.31869.
gnomAD v4.1: 394,418 of 1,215,012 alleles (32%); highest among the groups gnomAD compares: East Asian, 52%; 66,690 homozygotes.

Submissions (2):

GeneDx
Classification: Benign. Last evaluated: 2018-06-14. Review status: criteria provided, single submitter. Criteria: GeneDx Variant Classification (06012015). Collection method: clinical testing. Allele origin: germline. Affected: yes.
Comment: This variant is considered likely benign or benign based on one or more of the following criteria: it is a conservative change, it occurs at a poorly conserved position in the protein, it is predicted to be benign by multiple in silico algorithms, and/or has population frequency not consistent with disease.

Breakthrough Genomics
Classification: Benign. Review status: criteria provided, single submitter. Criteria: ACMG Guidelines, 2015. Collection method: not provided. Allele origin: germline. Inheritance: Autosomal dominant inheritance. Affected: yes.